The following is an entry in ClinVar:

ClinVar aggregate classification (germline): Uncertain significance. Review status: criteria provided, multiple submitters, no conflicts (2 of 4 stars). 2 submissions from 2 submitters: Uncertain significance (2). Last evaluated 2025-10-22.

Conditions:
Hereditary cancer-predisposing syndrome. Also called: Tumor predisposition; Hereditary neoplastic syndrome; Neoplastic Syndromes, Hereditary; Hereditary Cancer Syndrome. Identifiers: Orphanet 140162, MedGen C0027672, MeSH D009386, MONDO:0015356.
Hereditary nonpolyposis colorectal neoplasms. Identifiers: MedGen C0009405, MeSH D003123.

Submissions (2):

Ambry Genetics
Classification: Uncertain significance for Hereditary cancer-predisposing syndrome. Last evaluated: 2025-10-22. Review status: criteria provided, single submitter. Criteria: Ambry Variant Classification Scheme 2023. Collection method: clinical testing. Allele origin: germline.
Comment: The p.V1027A variant (also known as c.3080T>C), located in coding exon 4 of the MSH6 gene, results from a T to C substitution at nucleotide position 3080. The valine at codon 1027 is replaced by alanine, an amino acid with similar properties. This amino acid position is conserved. In addition, this alteration is predicted to be tolerated by in silico analysis. Based on the available evidence, the clinical significance of this variant remains unclear.

Labcorp Genetics (formerly Invitae), Labcorp
Classification: Uncertain significance for Hereditary nonpolyposis colorectal neoplasms. Last evaluated: 2025-05-04. Review status: criteria provided, single submitter. Criteria: Invitae Variant Classification Sherloc (09022015). Collection method: clinical testing. Allele origin: germline.
Comment: This sequence change replaces valine, which is neutral and non-polar, with alanine, which is neutral and non-polar, at codon 1027 of the MSH6 protein (p.Val1027Ala). This variant is not present in population databases (gnomAD no frequency). This variant has not been reported in the literature in individuals affected with MSH6-related conditions. ClinVar contains an entry for this variant (Variation ID: 1362083). Invitae Evidence Modeling of protein sequence and biophysical properties (such as structural, functional, and spatial information, amino acid conservation, physicochemical variation, residue mobility, and thermodynamic stability) indicates that this missense variant is not expected to disrupt MSH6 protein function with a negative predictive value of 95%. In summary, the available evidence is currently insufficient to determine the role of this variant in disease. Therefore, it has been classified as a Variant of Uncertain Significance.

NM_000179.3(MSH6):c.3080T>C (p.Val1027Ala)

Gene: MSH6 (mutS homolog 6; plus strand). Cytogenetic location: 2p16.3.
Variant type: single nucleotide variant.
Coding change: c.3080T>C on transcript NM_000179.3 (MANE Select); coding-DNA position 3080, T replaced by C.
Protein change: p.Val1027Ala; replaces valine 1027 with alanine.
Molecular consequence: missense variant.
Genome position (GRCh38, 1-based): chr2:47,801,063, T>C. VCF-style: chr2-47801063-T-C. GRCh37 (hg19) VCF-style: chr2-48028202-T-C.
Other names: c.3080T>C (NM_000179.2); c.2690T>C, p.Val897Ala (NM_001281492.2); c.2174T>C, p.Val725Ala (NM_001281493.2, NM_001281494.2); short protein forms V725A, V1027A, V897A.
Identifiers: ClinVar variation 1362083 (VCV001362083.7), dbSNP rs1553414471, ClinGen allele CA346756561.